The following is an entry in ClinVar:

ClinVar aggregate classification (germline): Likely pathogenic. Review status: criteria provided, multiple submitters, no conflicts (2 of 4 stars). 2 submissions from 2 submitters: Likely pathogenic (2). Last evaluated 2023-12-22.

Conditions:
Hypertrophic cardiomyopathy 1 (CMH1). Also called: Familial hypertrophic cardiomyopathy 1; MYH7-Related Familial Hypertrophic Cardiomyopathy. Identifiers: MedGen C3495498, MONDO:0008647, OMIM 192600.
Hypertrophic cardiomyopathy. Also called: HYPERTROPHIC MYOCARDIOPATHY. Identifiers: Orphanet 217569, MedGen C0007194, MeSH D002312, MONDO:0005045, HP:0001639.

Submissions (2):

Labcorp Genetics (formerly Invitae), Labcorp
Classification: Likely pathogenic for Hypertrophic cardiomyopathy. Last evaluated: 2023-12-22. Review status: criteria provided, single submitter. Criteria: Invitae Variant Classification Sherloc (09022015). Collection method: clinical testing. Allele origin: germline.
Comment: This sequence change replaces serine, which is neutral and polar, with glycine, which is neutral and non-polar, at codon 842 of the MYH7 protein (p.Ser842Gly). This variant is not present in population databases (gnomAD no frequency). This missense change has been observed in individual(s) with hypertrophic cardiomyopathy (PMID: 25937619, 27247418; Invitae). ClinVar contains an entry for this variant (Variation ID: 217474). Advanced modeling of protein sequence and biophysical properties (such as structural, functional, and spatial information, amino acid conservation, physicochemical variation, residue mobility, and thermodynamic stability) performed at Invitae indicates that this missense variant is expected to disrupt MYH7 protein function with a positive predictive value of 95%. This variant disrupts the p.Ser842 amino acid residue in MYH7. Other variant(s) that disrupt this residue have been determined to be pathogenic (PMID: 30384889). This suggests that this residue is clinically significant, and that variants that disrupt this residue are likely to be disease-causing. In summary, the currently available evidence indicates that the variant is pathogenic, but additional data are needed to prove that conclusively. Therefore, this variant has been classified as Likely Pathogenic.

Laboratory of Genetics and Molecular Cardiology, University of São Paulo
Classification: Likely pathogenic for Hypertrophic cardiomyopathy 1. Review status: criteria provided, single submitter. Criteria: LGCM Criteria August 2015. Collection method: clinical testing. Allele origin: germline. Inheritance: Autosomal dominant inheritance. Affected: yes. Observed: 1 variant allele. Study: Sarcomeric Human Cardiomyopathy Registry (ShaRe).

Literature cited by the submitters: PubMed 25937619 (cited by Labcorp Genetics (formerly Invitae), Labcorp); PubMed 27247418 (cited by Labcorp Genetics (formerly Invitae), Labcorp); PubMed 30384889 (cited by Labcorp Genetics (formerly Invitae), Labcorp).

NM_000257.4(MYH7):c.2524A>G (p.Ser842Gly)

Genes: MYH7 (myosin heavy chain 7; minus strand), LOC126861898 (BRD4-independent group 4 enhancer GRCh37_chr14:23893609-23894808; plus strand). Cytogenetic location: 14q11.2.
Variant type: single nucleotide variant.
Coding change: c.2524A>G on transcript NM_000257.4 (MANE Select); coding-DNA position 2524, A replaced by G.
Protein change: p.Ser842Gly; replaces serine 842 with glycine.
Molecular consequence: missense variant.
Genome position (GRCh38, 1-based): chr14:23,424,924, T>C on the plus strand (A>G on the coding strand, the complement: MYH7 is on the minus strand). VCF-style: chr14-23424924-T-C. GRCh37 (hg19) VCF-style: chr14-23894133-T-C.
Other names: short protein forms S842G.
Identifiers: ClinVar variation 217474 (VCV000217474.4), dbSNP rs863225103, ClinGen allele CA279325.